The following is an entry in ClinVar:

ClinVar aggregate classification (germline): Uncertain significance. Review status: criteria provided, multiple submitters, no conflicts (2 of 4 stars). 2 submissions from 2 submitters: Uncertain significance (2). Last evaluated 2024-09-13.

Allele frequency attached by ClinVar (database versions not stated): ExAC 0.00002; gnomAD 0.00002; gnomAD exomes 0.00003; TOPMed 0.00003.
gnomAD v4.1: 42 of 1,613,810 alleles (0.0026%); highest among the groups gnomAD compares: Non-Finnish European, 0.0035%; no homozygotes.

Submissions (2):

GeneDx
Classification: Uncertain significance. Last evaluated: 2024-09-13. Review status: criteria provided, single submitter. Criteria: GeneDx Variant Classification Process June 2021. Collection method: clinical testing. Allele origin: germline. Affected: yes.
Comment: Not observed at significant frequency in large population cohorts (gnomAD); In silico analysis supports that this missense variant has a deleterious effect on protein structure/function; Has not been previously published as pathogenic or benign to our knowledge

Labcorp Genetics (formerly Invitae), Labcorp
Classification: Uncertain significance. Last evaluated: 2024-08-21. Review status: criteria provided, single submitter. Criteria: Invitae Variant Classification Sherloc (09022015). Collection method: clinical testing. Allele origin: germline.
Comment: This sequence change replaces tyrosine, which is neutral and polar, with histidine, which is basic and polar, at codon 341 of the COX15 protein (p.Tyr341His). This variant is present in population databases (rs746427102, gnomAD 0.004%). This variant has not been reported in the literature in individuals affected with COX15-related conditions. ClinVar contains an entry for this variant (Variation ID: 1981965). An algorithm developed to predict the effect of missense changes on protein structure and function (PolyPhen-2) suggests that this variant is likely to be disruptive. In summary, the available evidence is currently insufficient to determine the role of this variant in disease. Therefore, it has been classified as a Variant of Uncertain Significance.

NM_078470.6(COX15):c.1021T>C (p.Tyr341His)

Gene: COX15 (cytochrome c oxidase assembly homolog COX15; minus strand). Cytogenetic location: 10q24.2.
Variant type: single nucleotide variant.
Coding change: c.1021T>C on transcript NM_078470.6 (MANE Select); coding-DNA position 1021, T replaced by C.
Protein change: p.Tyr341His; replaces tyrosine 341 with histidine.
Molecular consequence: missense variant. On other transcripts: non-coding transcript variant (1).
Genome position (GRCh38, 1-based): chr10:99,716,428, A>G on the plus strand (T>C on the coding strand, the complement: COX15 is on the minus strand). VCF-style: chr10-99716428-A-G. GRCh37 (hg19) VCF-style: chr10-101476185-A-G.
Other names: c.1021T>C, p.Tyr341His (NM_001320974.2, NM_001372024.1, NM_001372027.1 and 1 more transcripts); c.866T>C, p.Leu289Pro (NM_001320975.2, NM_001372028.1); c.484T>C, p.Tyr162His (NM_001320976.2); c.1039T>C, p.Tyr347His (NM_001372025.1); c.994T>C, p.Tyr332His (NM_001372026.1); short protein forms Y332H, L289P, Y341H, Y162H, Y347H.
Identifiers: ClinVar variation 1981965 (VCV001981965.3), dbSNP rs746427102, ClinGen allele CA5642110.